The following is an entry in ClinVar:

NM_006446.5(SLCO1B1):c.*134A>T

Gene: SLCO1B1 (solute carrier organic anion transporter family member 1B1; plus strand). Cytogenetic location: 12p12.1.
Variant type: single nucleotide variant.
Coding change: c.*134A>T on transcript NM_006446.5 (MANE Select); 134 bases downstream of the stop codon, A replaced by T.
Molecular consequence: 3 prime UTR variant.
Genome position (GRCh38, 1-based): chr12:21,239,323, A>T. VCF-style: chr12-21239323-A-T. GRCh37 (hg19) VCF-style: chr12-21392257-A-T.
Identifiers: ClinVar variation 882108 (VCV000882108.4), dbSNP rs567678480, ClinGen allele CA233581574.

ClinVar aggregate classification (germline): Likely benign (1 of 4 stars; one submission).

Conditions:
Rotor syndrome (HBLRR). Also called: HYPERBILIRUBINEMIA, ROTOR TYPE, DIGENIC; HYPERBILIRUBINEMIA, ROTOR TYPE. Identifiers: Orphanet 3111, MedGen C0220991, MONDO:0009379, OMIM 237450.

Allele frequency attached by ClinVar (database versions not stated): TOPMed 0.00001; 1000 Genomes Project 30x 0.00031; 1000 Genomes Project 0.00040.
gnomAD v4.1: 149 of 748,886 alleles (0.02%); highest among the groups gnomAD compares: South Asian, 0.2%; 2 homozygotes.

Submission:

Illumina Laboratory Services, Illumina
Classification: Likely benign for Rotor syndrome. Last evaluated: 2018-01-13. Review status: criteria provided, single submitter. Criteria: ICSL Variant Classification Criteria 13 December 2019. Collection method: clinical testing. Allele origin: germline.
Comment: This variant was observed in the ICSL laboratory as part of a predisposition screen in an ostensibly healthy population. It had not been previously curated by ICSL or reported in the Human Gene Mutation Database (HGMD: prior to June 1st, 2018), and was therefore a candidate for classification through an automated scoring system. Utilizing variant allele frequency, disease prevalence and penetrance estimates, and inheritance mode, an automated score was calculated to assess if this variant is too frequent to cause the disease. Based on the score and internal cut-off values, a variant classified as likely benign is not then subjected to further curation. The score for this variant resulted in a classification of likely benign for this disease.